The following is an entry in ClinVar:

NM_002907.4(RECQL):c.950-54C>T

Gene: RECQL (RecQ like helicase; minus strand). Cytogenetic location: 12p12.1.
Variant type: single nucleotide variant.
Coding change: c.950-54C>T on transcript NM_002907.4 (MANE Select); 54 bases into the intron before coding-DNA position 950, C replaced by T.
Molecular consequence: intron variant.
Genome position (GRCh38, 1-based): chr12:21,475,878, G>A on the plus strand (C>T on the coding strand, the complement: RECQL is on the minus strand). VCF-style: chr12-21475878-G-A. GRCh37 (hg19) VCF-style: chr12-21628812-G-A.
Other names: c.950-54C>T (NM_032941.3).
Identifiers: ClinVar variation 679685 (VCV000679685.2), dbSNP rs10160843, ClinGen allele CA233569667.

ClinVar aggregate classification (germline): Benign. Review status: criteria provided, multiple submitters, no conflicts (2 of 4 stars). 2 submissions from 2 submitters: Benign (2). Last evaluated 2018-06-18.

Allele frequency attached by ClinVar (database versions not stated): TOPMed 0.98427; gnomAD 0.98478 and 0.98587; 1000 Genomes Project 30x 0.98579; 1000 Genomes Project 0.98622; gnomAD exomes 0.99862.
gnomAD v4.1: 1,451,521 of 1,455,560 alleles (100%); highest among the groups gnomAD compares: East Asian, 100%; 723,849 homozygotes.

Submissions (2):

GeneDx
Classification: Benign. Last evaluated: 2018-06-18. Review status: criteria provided, single submitter. Criteria: GeneDx Variant Classification (06012015). Collection method: clinical testing. Allele origin: germline. Affected: yes.
Comment: This variant is considered likely benign or benign based on one or more of the following criteria: it is a conservative change, it occurs at a poorly conserved position in the protein, it is predicted to be benign by multiple in silico algorithms, and/or has population frequency not consistent with disease.

Breakthrough Genomics
Classification: Benign. Review status: criteria provided, single submitter. Criteria: ACMG Guidelines, 2015. Collection method: not provided. Allele origin: germline. Inheritance: Unknown mechanism. Affected: yes.